The following is an entry in ClinVar:

ClinVar aggregate classification (germline): Uncertain significance (1 of 4 stars; one submission).

Conditions:
Hereditary cancer-predisposing syndrome. Also called: Tumor predisposition; Neoplastic Syndromes, Hereditary; Hereditary neoplastic syndrome; Hereditary Cancer Syndrome. Identifiers: Orphanet 140162, MedGen C0027672, MeSH D009386, MONDO:0015356.

Submission:

Ambry Genetics
Classification: Uncertain significance for Hereditary cancer-predisposing syndrome. Last evaluated: 2025-06-27. Review status: criteria provided, single submitter. Criteria: Ambry Variant Classification Scheme 2023. Collection method: clinical testing. Allele origin: germline.
Comment: The c.2638-3C>A intronic variant results from a C to A substitution 3 nucleotides upstream from coding exon 11 in the MET gene. This nucleotide position is not well conserved in available vertebrate species. In silico splice site analysis predicts that this alteration will not have any significant effect on splicing. Based on the available evidence, the clinical significance of this variant remains unclear.

NM_000245.4(MET):c.2584-3C>A

Gene: MET (MET proto-oncogene, receptor tyrosine kinase; plus strand). Cytogenetic location: 7q31.2.
Variant type: single nucleotide variant.
Coding change: c.2584-3C>A on transcript NM_000245.4 (MANE Select); 3 bases into the intron before coding-DNA position 2584, C replaced by A.
Molecular consequence: intron variant.
Genome position (GRCh38, 1-based): chr7:116,769,642, C>A. VCF-style: chr7-116769642-C-A. GRCh37 (hg19) VCF-style: chr7-116409696-C-A.
Other names: c.2638-3C>A (NM_001127500.3); c.1294-3C>A (NM_001324402.2); c.2584-3C>A (NM_001324401.3).
Identifiers: ClinVar variation 4106706 (VCV004106706.1).